The following is an entry in ClinVar:

NM_000059.4(BRCA2):c.1388C>T (p.Thr463Ile)

Gene: BRCA2 (BRCA2 DNA repair associated; plus strand). Cytogenetic location: 13q13.1.
Variant type: single nucleotide variant.
Coding change: c.1388C>T on transcript NM_000059.4 (MANE Select); coding-DNA position 1388, C replaced by T.
Protein change: p.Thr463Ile; replaces threonine 463 with isoleucine.
Molecular consequence: missense variant.
Genome position (GRCh38, 1-based): chr13:32,332,866, C>T. VCF-style: chr13-32332866-C-T. GRCh37 (hg19) VCF-style: chr13-32907003-C-T.
Other names: short protein forms T463I.
Identifiers: ClinVar variation 631111 (VCV000631111.13), dbSNP rs151011453, ClinGen allele CA387763077.

ClinVar aggregate classification (germline): Conflicting classifications of pathogenicity. Review status: criteria provided, conflicting classifications (1 of 4 stars). 6 submissions from 6 submitters: Uncertain significance (4); Likely benign (2). Last evaluated 2025-03-04.

Conditions:
Hereditary cancer-predisposing syndrome. Also called: Hereditary Cancer Syndrome; Neoplastic Syndromes, Hereditary; Tumor predisposition; Hereditary neoplastic syndrome. Identifiers: Orphanet 140162, MedGen C0027672, MeSH D009386, MONDO:0015356.
Hereditary breast ovarian cancer syndrome. Also called: Hereditary breast and ovarian cancer syndrome; Hereditary breast and ovarian cancer syndrome (HBOC); Hereditary breast and ovarian cancer; Hereditary breast and/or ovarian cancer syndrome; Breast and ovarian cancer; BRCA1- and BRCA2-Associated Hereditary Breast and Ovarian Cancer. Identifiers: Orphanet 145, MedGen C0677776, MeSH D061325, MONDO:0003582. Disease mechanism: loss of function.
Breast-ovarian cancer, familial, susceptibility to, 2 (BROVCA2). Also called: BRCA2 Hereditary Breast and Ovarian Cancer. Identifiers: Orphanet 145, MedGen C2675520, MONDO:0012933, OMIM 612555. Disease mechanism: loss of function.

Submissions (6):

Center for Genomic Medicine, Rigshospitalet, Copenhagen University Hospital
Classification: Likely benign. Last evaluated: 2025-03-04. Review status: criteria provided, single submitter. Criteria: ACMG Guidelines, 2015. Collection method: clinical testing. Allele origin: germline.

All of Us Research Program, National Institutes of Health
Classification: Uncertain significance for Breast-ovarian cancer, familial, susceptibility to, 2. Last evaluated: 2023-08-23. Review status: criteria provided, single submitter. Criteria: ACMG Guidelines, 2015. Collection method: clinical testing. Allele origin: germline. Inheritance: Autosomal dominant inheritance. Observed: 1 variant allele, 1 heterozygote.
Comment: This missense variant replaces threonine with isoleucine at codon 463 of the BRCA2 protein. Computational prediction suggests that this variant may not impact protein structure and function (internally defined REVEL score threshold <= 0.5, PMID: 27666373). To our knowledge, functional studies have not been reported for this variant. This variant has been reported in an individual affected with breast cancer (PMID: 33471991; Leiden Open Variation Database DB-ID BRCA2_007818). This variant has not been identified in the general population by the Genome Aggregation Database (gnomAD). The available evidence is insufficient to determine the role of this variant in disease conclusively. Therefore, this variant is classified as a Variant of Uncertain Significance.

This study involves interpretation of variants in research participants for the purpose of population health screening. Participant phenotype was not available at the time of variant classification. Additional details can be found in publication PMID: 35346344, PMCID: PMC8962531

Color Diagnostics, LLC DBA Color Health
Classification: Uncertain significance for Hereditary cancer-predisposing syndrome. Last evaluated: 2023-08-14. Review status: criteria provided, single submitter. Criteria: ACMG Guidelines, 2015. Collection method: clinical testing. Allele origin: germline.
Comment: This missense variant replaces threonine with isoleucine at codon 463 of the BRCA2 protein. Computational prediction suggests that this variant may not impact protein structure and function (internally defined REVEL score threshold <= 0.5, PMID: 27666373). To our knowledge, functional studies have not been reported for this variant. This variant has been reported in an individual affected with breast cancer (PMID: 33471991; Leiden Open Variation Database DB-ID BRCA2_007818). This variant has not been identified in the general population by the Genome Aggregation Database (gnomAD). The available evidence is insufficient to determine the role of this variant in disease conclusively. Therefore, this variant is classified as a Variant of Uncertain Significance.

Labcorp Genetics (formerly Invitae), Labcorp
Classification: Uncertain significance for Hereditary breast ovarian cancer syndrome. Last evaluated: 2023-07-07. Review status: criteria provided, single submitter. Criteria: Invitae Variant Classification Sherloc (09022015). Collection method: clinical testing. Allele origin: germline.
Comment: This variant is not present in population databases (gnomAD no frequency). This sequence change replaces threonine, which is neutral and polar, with isoleucine, which is neutral and non-polar, at codon 463 of the BRCA2 protein (p.Thr463Ile). ClinVar contains an entry for this variant (Variation ID: 631111). Advanced modeling of protein sequence and biophysical properties (such as structural, functional, and spatial information, amino acid conservation, physicochemical variation, residue mobility, and thermodynamic stability) performed at Invitae indicates that this missense variant is not expected to disrupt BRCA2 protein function. In summary, the available evidence is currently insufficient to determine the role of this variant in disease. Therefore, it has been classified as a Variant of Uncertain Significance. This variant has not been reported in the literature in individuals affected with BRCA2-related conditions.

University of Washington Department of Laboratory Medicine, University of Washington
Classification: Likely benign for Hereditary cancer-predisposing syndrome. Last evaluated: 2023-03-23. Review status: criteria provided, single submitter. Criteria: Dines et al. (Genet Med. 2020). Collection method: curation. Allele origin: germline.
Comment: Missense variant in a coldspot region where missense variants are very unlikely to be pathogenic (PMID:31911673).

BRCA2 exon 10 coldspot. Reclassification based on statistical prior probability.

Ambry Genetics
Classification: Uncertain significance for Hereditary cancer-predisposing syndrome. Last evaluated: 2022-03-07. Review status: criteria provided, single submitter. Criteria: Ambry Variant Classification Scheme 2023. Collection method: clinical testing. Allele origin: germline.
Comment: The p.T463I variant (also known as c.1388C>T), located in coding exon 9 of the BRCA2 gene, results from a C to T substitution at nucleotide position 1388. The threonine at codon 463 is replaced by isoleucine, an amino acid with similar properties. This amino acid position is not well conserved in available vertebrate species. In addition, this alteration is predicted to be tolerated by in silico analysis. Since supporting evidence is limited at this time, the clinical significance of this alteration remains unclear.

Literature cited by the submitters: PubMed 33471991 (cited by All of Us Research Program, National Institutes of Health and Color Diagnostics, LLC DBA Color Health).